The following is an entry in ClinVar:

NM_001042492.3(NF1):c.7067C>A (p.Pro2356Gln)

Gene: NF1 (neurofibromin 1; plus strand). Cytogenetic location: 17q11.2.
Variant type: single nucleotide variant.
Coding change: c.7067C>A on transcript NM_001042492.3 (MANE Select); coding-DNA position 7067, C replaced by A.
Protein change: p.Pro2356Gln; replaces proline 2356 with glutamine.
Molecular consequence: missense variant.
Genome position (GRCh38, 1-based): chr17:31,343,013, C>A. VCF-style: chr17-31343013-C-A. GRCh37 (hg19) VCF-style: chr17-29670031-C-A.
Other names: c.7004C>A, p.Pro2335Gln (NM_000267.4); short protein forms P2335Q, P2356Q.
Identifiers: ClinVar variation 950512 (VCV000950512.6), dbSNP rs1555535402, ClinGen allele CA399015510.
Genomic context (GRCh38, chr17:31,343,013, plus strand): 5'-TTTAAAGAAAGCTACTGTGTGAACCTCATCAACCATCTCATGATTATCTTTAATAGAGTC[C>A]AGAGGAAGTATTTATGGCAATCCGGAATCCTCTGGAGTGGCACTGCAAGCAAATGGATCA-3'
Protein context (NP_001035957.1, residues 2346-2366): DSLRIFNDKS[Pro2356Gln]EEVFMAIRNP

ClinVar aggregate classification (germline): Uncertain significance (1 of 4 stars; one submission).

Conditions:
Neurofibromatosis, type 1 (NF1). Also called: VON RECKLINGHAUSEN DISEASE; NEUROFIBROMATOSIS, TYPE I, SOMATIC; Peripheral type neurofibromatosis; Neurofibromatosis, type I. Identifiers: Orphanet 636, MedGen C0027831, MONDO:0018975, OMIM 162200. Disease mechanism: loss of function.

Submission:

Labcorp Genetics (formerly Invitae), Labcorp
Classification: Uncertain significance for Neurofibromatosis, type 1. Last evaluated: 2019-06-21. Review status: criteria provided, single submitter. Criteria: Invitae Variant Classification Sherloc (09022015). Collection method: clinical testing. Allele origin: germline.
Comment: This sequence change replaces proline with glutamine at codon 2335 of the NF1 protein (p.Pro2335Gln). The proline residue is moderately conserved and there is a moderate physicochemical difference between proline and glutamine. This variant is not present in population databases (ExAC no frequency). This variant has not been reported in the literature in individuals with NF1-related conditions. Algorithms developed to predict the effect of missense changes on protein structure and function are either unavailable or do not agree on the potential impact of this missense change (SIFT: "Tolerated"; PolyPhen-2: "Probably Damaging"; Align-GVGD: "Class C0"). In summary, the available evidence is currently insufficient to determine the role of this variant in disease. Therefore, it has been classified as a Variant of Uncertain Significance.